The following continues an entry in ClinVar:

NM_000142.5(FGFR3):c.1138G>A (p.Gly380Arg)

Gene: FGFR3. ClinVar aggregate classification (germline): Pathogenic. Pathogenic (57).

Literature cited by the submitters, continued: PubMed 21739570 (cited by 5 submitters); PubMed 25691418 (cited by 5 submitters); PubMed 17256796 (cited by 3billion); PubMed 28230213 (cited by 7 submitters); PubMed 7913883 (cited by 4 submitters); PubMed 23056398 (cited by 5 submitters); PubMed 7670477 (cited by Ambry Genetics); PubMed 7847369 (cited by 3 submitters); PubMed 33942288 (cited by 3 submitters); PubMed 36923788 (cited by Ambry Genetics); PubMed 22339077 (cited by Variantyx, Inc.); PubMed 19088846 (cited by Variantyx, Inc. and Rady Children's Institute for Genomic Medicine, Rady Children's Hospital San Diego); PubMed 10979354 (cited by 3 submitters); PubMed 8078586 (cited by 3 submitters); PubMed 7702086 (cited by OLLIN Analises Genomicas, OLLIN and Women's Health and Genetics/Laboratory Corporation of America, LabCorp); PubMed 20301331 (cited by 4 submitters); PubMed 9857065 (cited by Rady Children's Institute for Genomic Medicine, Rady Children's Hospital San Diego); PubMed 31994750 (cited by Pittsburgh Clinical Genomics Laboratory, University of Pittsburgh Medical Center and Beijing Key Laboratry for Genetics of Birth Defects, Beijing Children's Hospital); PubMed 30692697 (cited by Pittsburgh Clinical Genomics Laboratory, University of Pittsburgh Medical Center and Medical Genetics Center, Maternal and Child Health Hospital of Hubei Province); PubMed 20624921 (cited by Pittsburgh Clinical Genomics Laboratory, University of Pittsburgh Medical Center and OMIM); PubMed 31218223 (cited by Pittsburgh Clinical Genomics Laboratory, University of Pittsburgh Medical Center and Medical Genetics Center, Maternal and Child Health Hospital of Hubei Province); PubMed 21324899 (cited by Pittsburgh Clinical Genomics Laboratory, University of Pittsburgh Medical Center and OMIM); PubMed 32502767 (cited by Pittsburgh Clinical Genomics Laboratory, University of Pittsburgh Medical Center and Beijing Key Laboratry for Genetics of Birth Defects, Beijing Children's Hospital); PubMed 31299979 (cited by 3 submitters); PubMed 29681095 (cited by Pittsburgh Clinical Genomics Laboratory, University of Pittsburgh Medical Center and Medical Genetics Center, Maternal and Child Health Hospital of Hubei Province); PubMed 18266238 (cited by Pittsburgh Clinical Genomics Laboratory, University of Pittsburgh Medical Center and OMIM); PubMed 24120763 (cited by Pittsburgh Clinical Genomics Laboratory, University of Pittsburgh Medical Center); PubMed 30138938 (cited by Pittsburgh Clinical Genomics Laboratory, University of Pittsburgh Medical Center and Medical Genetics Center, Maternal and Child Health Hospital of Hubei Province); DOI 10.1002/mgg3.96 (cited by Kasturba Medical College, Manipal, Kasturba Medical College, Manipal, Manipal Academy of Higher Education, Manipal, India); PubMed 10607835 (cited by Illumina Laboratory Services, Illumina); PubMed 17033969 (cited by Victorian Clinical Genetics Services, Murdoch Childrens Research Institute); PubMed 17320202 (cited by Victorian Clinical Genetics Services, Murdoch Childrens Research Institute); PubMed 24864036 (cited by Victorian Clinical Genetics Services, Murdoch Childrens Research Institute); PubMed 28777845 (cited by Beijing Key Laboratry for Genetics of Birth Defects, Beijing Children's Hospital); PubMed 36261652 (cited by Medical Genetics and Prenatal Diagnosis Center, Guangxi Academy of Medical Sciences and the People’s Hospital of Guangxi Zhuang Autonomous Region); PubMed 18199430 (cited by Medical Genetics and Prenatal Diagnosis Center, Guangxi Academy of Medical Sciences and the People’s Hospital of Guangxi Zhuang Autonomous Region); PubMed 15345118 (cited by Medical Genetics and Prenatal Diagnosis Center, Guangxi Academy of Medical Sciences and the People’s Hospital of Guangxi Zhuang Autonomous Region); PubMed 19838370 (cited by Medical Genetics and Prenatal Diagnosis Center, Guangxi Academy of Medical Sciences and the People’s Hospital of Guangxi Zhuang Autonomous Region); PubMed 7649548 (cited by OMIM); Wilkie, A. O. M., Bochukova, E. G., Hansen, R. M. S., Taylor, I. B., Rannan-Eliya, S. V., Byren, J. C., Wall, S. A., Ramos, L., Venancio, M., Hurst, J. A., O'Rourke, A. W., Williams, L. J., Seller, A., Lester, T. Clinical dividends from the molecular genetic diagnosis of craniosynostosis. Am. J. Med. Genet. 143A: 1941-1949, 2007. Note: Republication with correction of an article originally published in Am. J. Med. Genet. 140A: 2631-2639, 2006. (cited by OMIM); PubMed 8673103 (cited by OMIM); Szabo, J., Bellus, G. A., Kaitila, I., Francomano, C. A. Fibroblast growth factor receptor 3 (FGFR3) mutations in sporadic cases of achondroplasia occur exclusively on the paternally derived chromosome. (Abstract) Am. J. Hum. Genet. 59 (suppl.): A287-only, 1996. (cited by OMIM); PubMed 11030304 (cited by OMIM); PubMed 15517832 (cited by OMIM); PubMed 11186939 (cited by OMIM); PubMed 11186940 (cited by OMIM); PubMed 16766665 (cited by OMIM); PubMed 16841094 (cited by OMIM); NCBI Bookshelf NBK1477 (cited by GeneReviews).